The following is an entry in ClinVar:

ClinVar aggregate classification (germline): Uncertain significance (1 of 4 stars; one submission).

Submission:

GeneDx
Classification: Uncertain significance. Last evaluated: 2023-02-10. Review status: criteria provided, single submitter. Criteria: GeneDx Variant Classification Process June 2021. Collection method: clinical testing. Allele origin: germline. Affected: yes.
Comment: Not observed at significant frequency in large population cohorts (gnomAD); In silico analysis supports that this missense variant has a deleterious effect on protein structure/function; Has not been previously published as pathogenic or benign to our knowledge

NM_002516.4(NOVA2):c.439G>A (p.Gly147Ser)

Gene: NOVA2 (NOVA alternative splicing regulator 2; minus strand). Cytogenetic location: 19q13.32.
Variant type: single nucleotide variant.
Coding change: c.439G>A on transcript NM_002516.4 (MANE Select); coding-DNA position 439, G replaced by A.
Protein change: p.Gly147Ser; replaces glycine 147 with serine.
Molecular consequence: missense variant.
Genome position (GRCh38, 1-based): chr19:45,940,903, C>T on the plus strand (G>A on the coding strand, the complement: NOVA2 is on the minus strand). VCF-style: chr19-45940903-C-T. GRCh37 (hg19) VCF-style: chr19-46444161-C-T.
Other names: short protein forms G147S.
Identifiers: ClinVar variation 1675298 (VCV001675298.2), dbSNP rs2146407076, ClinGen allele CA406436896.
Genomic context (GRCh38, chr19:45,940,903, plus strand): 5'-ACAGCTGCACCCATGCTCCTGACTGTTCCATCACGGCTTTCACCGTGGCGCCTCCCTTGC[C>T]GATGATCAGGCCCGCCGTGCTGTTGGGGACGATCAGCTTGGCCTGCGTGGGGAGCAAAAG-3'
Protein context (NP_002507.1, residues 137-157): VPNSTAGLII[Gly147Ser]KGGATVKAVM